The following is an entry in ClinVar:

NM_001291303.3(FAT4):c.5396C>A (p.Thr1799Asn)

Gene: FAT4 (FAT atypical cadherin 4; plus strand). Cytogenetic location: 4q28.1.
Variant type: single nucleotide variant.
Coding change: c.5396C>A on transcript NM_001291303.3 (MANE Select); coding-DNA position 5396, C replaced by A.
Protein change: p.Thr1799Asn; replaces threonine 1799 with asparagine.
Molecular consequence: missense variant.
Genome position (GRCh38, 1-based): chr4:125,406,968, C>A. VCF-style: chr4-125406968-C-A. GRCh37 (hg19) VCF-style: chr4-126328123-C-A.
Other names: c.5396C>A, p.Thr1799Asn (NM_001291285.3, NM_001438396.1, NM_001438397.1 and 1 more transcripts); c.167C>A, p.Thr56Asn (NM_001437895.1); short protein forms T56N, T1799N.
Identifiers: ClinVar variation 4741077 (VCV004741077.1).
Genomic context (GRCh38, chr4:125,406,968, plus strand): 5'-TCATTAGTGGAGCTGATGATAGTTTTCGCATCGACCCAGAATCCGGAGATCTGATAGCAA[C>A]CAGGCGGTTGGACAGGGAACGCCGCTCCAAATATTCACTGCTAGTTCGTGCTGATGATGG-3'
Protein context (NP_001278232.1, residues 1789-1809): IDPESGDLIA[Thr1799Asn]RRLDRERRSK

ClinVar aggregate classification (germline): Uncertain significance (1 of 4 stars; one submission).

Submission:

Labcorp Genetics (formerly Invitae), Labcorp
Classification: Uncertain significance. Last evaluated: 2025-08-29. Review status: criteria provided, single submitter. Criteria: Invitae Variant Classification Sherloc (09022015). Collection method: clinical testing. Allele origin: germline.
Comment: This sequence change replaces threonine, which is neutral and polar, with asparagine, which is neutral and polar, at codon 1799 of the FAT4 protein (p.Thr1799Asn). This variant is not present in population databases (gnomAD no frequency). This variant has not been reported in the literature in individuals affected with FAT4-related conditions. Invitae Evidence Modeling of protein sequence and biophysical properties (such as structural, functional, and spatial information, amino acid conservation, physicochemical variation, residue mobility, and thermodynamic stability) has been performed for this missense variant. However, the output from this modeling did not meet the statistical confidence thresholds required to predict the impact of this variant on FAT4 protein function. In summary, the available evidence is currently insufficient to determine the role of this variant in disease. Therefore, it has been classified as a Variant of Uncertain Significance.